The following is an entry in ClinVar:

ClinVar aggregate classification (germline): Uncertain significance (1 of 4 stars; one submission).

gnomAD v4.1: 3 of 1,450,102 alleles (0.00021%); highest among the groups gnomAD compares: South Asian, 0.0029%; no homozygotes.

Submission:

Labcorp Genetics (formerly Invitae), Labcorp
Classification: Uncertain significance. Last evaluated: 2025-09-25. Review status: criteria provided, single submitter. Criteria: Invitae Variant Classification Sherloc (09022015). Collection method: clinical testing. Allele origin: germline.
Comment: This sequence change replaces leucine, which is neutral and non-polar, with valine, which is neutral and non-polar, at codon 310 of the BCL11B protein (p.Leu310Val). This variant is not present in population databases (gnomAD no frequency). This variant has not been reported in the literature in individuals affected with BCL11B-related conditions. ClinVar contains an entry for this variant (Variation ID: 3648585). Invitae Evidence Modeling of protein sequence and biophysical properties (such as structural, functional, and spatial information, amino acid conservation, physicochemical variation, residue mobility, and thermodynamic stability) has been performed for this missense variant. However, the output from this modeling did not meet the statistical confidence thresholds required to predict the impact of this variant on BCL11B protein function. In summary, the available evidence is currently insufficient to determine the role of this variant in disease. Therefore, it has been classified as a Variant of Uncertain Significance.

NM_138576.4(BCL11B):c.928C>G (p.Leu310Val)

Gene: BCL11B (BCL11 transcription factor B; minus strand). Cytogenetic location: 14q32.2.
Variant type: single nucleotide variant.
Coding change: c.928C>G on transcript NM_138576.4 (MANE Select); coding-DNA position 928, C replaced by G.
Protein change: p.Leu310Val; replaces leucine 310 with valine.
Molecular consequence: missense variant.
Genome position (GRCh38, 1-based): chr14:99,175,908, G>C on the plus strand (C>G on the coding strand, the complement: BCL11B is on the minus strand). VCF-style: chr14-99175908-G-C. GRCh37 (hg19) VCF-style: chr14-99642245-G-C.
Other names: c.925C>G, p.Leu309Val (NM_001282237.2); c.712C>G, p.Leu238Val (NM_001282238.2); c.715C>G, p.Leu239Val (NM_022898.3); short protein forms L309V, L310V, L238V, L239V.
Identifiers: ClinVar variation 3648585 (VCV003648585.2).